The following is an entry in ClinVar:

ClinVar aggregate classification (germline): Uncertain significance (1 of 4 stars; one submission).

Allele frequency attached by ClinVar (database versions not stated): gnomAD 0.00001; gnomAD exomes 0.00001.
gnomAD v4.1: 9 of 1,614,116 alleles (0.00056%); highest among the groups gnomAD compares: South Asian, 0.0011%; no homozygotes.

Submission:

Labcorp Genetics (formerly Invitae), Labcorp
Classification: Uncertain significance. Last evaluated: 2024-12-09. Review status: criteria provided, single submitter. Criteria: Invitae Variant Classification Sherloc (09022015). Collection method: clinical testing. Allele origin: germline.
Comment: This sequence change replaces aspartic acid, which is acidic and polar, with asparagine, which is neutral and polar, at codon 3121 of the TRRAP protein (p.Asp3121Asn). This variant is present in population databases (no rsID available, gnomAD 0.003%). This variant has not been reported in the literature in individuals affected with TRRAP-related conditions. ClinVar contains an entry for this variant (Variation ID: 1921990). Invitae Evidence Modeling of protein sequence and biophysical properties (such as structural, functional, and spatial information, amino acid conservation, physicochemical variation, residue mobility, and thermodynamic stability) indicates that this missense variant is expected to disrupt TRRAP protein function with a positive predictive value of 80%. In summary, the available evidence is currently insufficient to determine the role of this variant in disease. Therefore, it has been classified as a Variant of Uncertain Significance.

NM_001375524.1(TRRAP):c.9436G>A (p.Asp3146Asn)

Gene: TRRAP (transformation/transcription domain associated protein; plus strand). Cytogenetic location: 7q22.1.
Variant type: single nucleotide variant.
Coding change: c.9436G>A on transcript NM_001375524.1 (MANE Select); coding-DNA position 9436, G replaced by A.
Protein change: p.Asp3146Asn; replaces aspartic acid 3146 with asparagine.
Molecular consequence: missense variant.
Genome position (GRCh38, 1-based): chr7:98,988,811, G>A. VCF-style: chr7-98988811-G-A. GRCh37 (hg19) VCF-style: chr7-98586434-G-A.
Other names: c.9448G>A, p.Asp3150Asn (NM_001244580.2); c.9361G>A, p.Asp3121Asn (NM_003496.4); short protein forms D3150N, D3146N, D3121N.
Identifiers: ClinVar variation 1921990 (VCV001921990.5), dbSNP rs1472543644, ClinGen allele CA368322412.
Genomic context (GRCh38, chr7:98,988,811, plus strand): 5'-CTGTCTCCTCACAGGTCCGAGGAGGCAAACAAAGCCTTCTCTGCAGCTGTGCAGATGCAC[G>A]ATGTGCTGGTGAAAGCCTGGGCCATGTGGGGCGACTACCTGGAGAACATCTTTGTGAAGG-3'
Protein context (NP_001362453.1, residues 3136-3156): KAFSAAVQMH[Asp3146Asn]VLVKAWAMWG